The following continues an entry in ClinVar:

NM_004004.6(GJB2):c.250G>C (p.Val84Leu)

Gene: GJB2. ClinVar aggregate classification (germline): Pathogenic. Pathogenic (17).

Submissions 9 to 19 of 19:

Victorian Clinical Genetics Services, Murdoch Childrens Research Institute
Classification: Pathogenic for Autosomal recessive nonsyndromic hearing loss 1A. Last evaluated: 2022-02-02. Review status: criteria provided, single submitter. Criteria: ACMG Guidelines, 2015. Collection method: clinical testing. Allele origin: germline. Inheritance: Autosomal recessive inheritance.
Comment: Based on the classification scheme VCGS_Germline_v1.3.4, this variant is classified as Pathogenic. Following criteria are met: 0102 - Loss of function is a known mechanism of disease in this gene and is associated with both deafness and skin conditions (OMIM). Dominant negative is also a suggested mechanism (PMID: 28428247). (I) 0108 - This gene is associated with both recessive and dominant disease. The autosomal dominant diseases are commonly associated with pathogenic missense variants. The autosomal recessive disease is associated with bi-allelic loss-of-function variants and includes missense and protein truncating variants (NIH Genetics Home Reference, PMID: 12792423). (I) 0112 - The condition associated with this gene has incomplete penetrance (PMID:31160754). (I) 0115 - Variants in this gene are known to have variable expressivity. Severity can range from mild to profound with intrafamilial variability also commonly seen. Commonly, truncating variants are associated to a more severe hearing loss (GeneReviews). (I) 0200 - Variant is predicted to result in a missense amino acid change from valine to leucine. (I) 0304 - Variant is present in gnomAD <0.01 for a recessive condition (v2: 9 heterozygotes, 0 homozygotes). An alternative nucleotide change to adenine resulting in the same protein change is also present in gnomAD (4 heterozygotes, 0 homozygotes). (SP) 0309 - An alternative amino acid change at the same position has been observed in gnomAD (v2) (1 heterozygote, 0 homozygotes). (I) 0501 - Missense variant consistently predicted to be damaging by multiple in silico tools or highly conserved with a major amino acid change. (SP) 0704 - Another missense variant comparable to the one identified in this case has limited previous evidence for pathogenicity. p.(Val84Met) has been reported multiple times as pathogenic in ClinVar. (SP) 0801 - This variant has very strong previous evidence of pathogenicity in unrelated individuals. The same nucleotide change, as well as the alternative change to adenine, have been reported in compound heterozygote and homozygote individuals with deafness (ClinVar). (SP) 1208 - Inheritance information for this variant is not currently available in this individual. (I) Legend: (SP) - Supporting pathogenic, (I) - Information, (SB) - Supporting benign

Fulgent Genetics
Classification: Pathogenic for Mutilating keratoderma; Autosomal dominant keratitis-ichthyosis-hearing loss syndrome; Palmoplantar keratoderma-deafness syndrome; Knuckle pads, deafness AND leukonychia syndrome; Autosomal recessive nonsyndromic hearing loss 1A; X-linked mixed hearing loss with perilymphatic gusher; Autosomal dominant nonsyndromic hearing loss 3A. Last evaluated: 2021-10-08. Review status: criteria provided, single submitter. Criteria: ACMG Guidelines, 2015. Collection method: clinical testing. Allele origin: unknown.

Athena Diagnostics
Classification: Pathogenic. Last evaluated: 2021-05-26. Review status: criteria provided, single submitter. Criteria: Athena Diagnostics criteria. Collection method: clinical testing. Allele origin: unknown.
Comment: The frequency of this variant in the general population is consistent with pathogenicity. At least one other missense variant at this codon is considered to be pathogenic or likely pathogenic, suggesting this variant may also cause disease. This variant appears to segregate with disease in at least one family, however, the available information does not rule out segregation due to chance. Assessment of experimental evidence suggests this variant results in abnormal protein function. Studies show this variant results in impaired permeability to larger molecules, such as inositol 1,4,5-trisphosphate (PMID: 15592461, 16217030). In multiple individuals, this variant has been seen with a single recessive pathogenic variant in the same gene, suggesting this variant may also be pathogenic. Computational tools predict that this variant is damaging.

INGEBI, INGEBI / CONICET
Classification: Pathogenic for Nonsyndromic hearing loss and deafness. Last evaluated: 2020-08-21. Review status: criteria provided, single submitter. Criteria: ClinGen HL ACMG Specifications v1. Collection method: clinical testing. Allele origin: germline. Inheritance: Autosomal recessive inheritance. Affected: yes. Observed: 1 variant allele.
Comment: Based on ACMG/AMP guidelines and Hearing Loss Expert Panel specific criteria: the c.250G>C, p.Val84Leu has a filtering allele frequency of 0.00395% in Latino population from Genome Aggregation Database v2.1.1 (calculated by using inverse allele frequency at an online resource) meeting PM2 criteria. Computational analysis predicted a pathogenic effect of the variant to the protein (REVELscore=0.947) applying to PP3 rule. This variant was identified in trans with at least 5 known pathogenic variants meeting PM3_VeryStrong criteria (PMID: 24158611, 95239365, 11556849,12172394, 12189487,12497637, 14985372, 15365987, 17041943). The p.Val84Leu change in trans with a pathogenic variant segregated in two affected siblings in a family case. (PP1_Supporting; PMID: 95239365). Dye transfer and electrical coupling assays demonstrated that the variant do not impact the protein function (PMID: 12505163, 12562518, 16217030). However, some assays showed a reduce permeability to IP3 and intracellular exchange of large molecules (PMID: 12505163, 16217030), and therefore this evidence was not counted. In summary, this variant meets criteria to be classified as pathogenic for autosomal recessive nonsyndromic hearing loss (PM2, PP3, PM3_VeryStrong and PP1_Supporting).

Laboratory for Molecular Medicine, Mass General Brigham Personalized Medicine
Classification: Pathogenic for Rare genetic deafness. Last evaluated: 2017-06-22. Review status: criteria provided, single submitter. Criteria: LMM Criteria. Collection method: clinical testing. Allele origin: germline. Inheritance: Autosomal recessive inheritance. Observed: 7 variant alleles.
Comment: The p.Val84Leu variant in GJB2 has been reported in 7 individuals with hearing l oss, 6 of whom were compound heterozygous for a second pathogenic variant and 1 of whom was homozygous for the variant, and segregated in 3 affected siblings wi th hearing loss (Cryns 2004, Kelley 1998, Kenna 2001, LMM Unpublished data). Thi s variant was identified in 4/33580 Latino chromosomes; however, this frequency is low enough to be consistent with a recessive carrier frequency. Functional st udies indicate that the Val84Leu variant compromises connexin 26 protein functio n (Beltramello 2005). In summary, this variant meets criteria to be classified a s pathogenic for autosomal recessive hearing loss based on the previously report ed individuals, segregation data, and low frequency in the general population.

Genomic Diagnostic Laboratory, Division of Genomic Diagnostics, Children's Hospital of Philadelphia
Classification: Pathogenic for Deafness, autosomal recessive 1A. Last evaluated: 2017-05-09. Review status: criteria provided, single submitter. Criteria: DGD Variant Analysis Guidelines. Collection method: clinical testing. Allele origin: germline. Affected: yes. Observed: 1 variant allele.

Women's Health and Genetics/Laboratory Corporation of America, LabCorp
Classification: Pathogenic for Autosomal recessive nonsyndromic hearing loss 1A. Last evaluated: 2017-02-22. Review status: criteria provided, single submitter. Criteria: LabCorp Variant Classification Summary - May 2015. Collection method: clinical testing. Allele origin: germline.
Comment: Variant summary: The GJB2 c.250G>C (p.Val84Leu) variant involves the alteration of a conserved nucleotide and is predicted to be damaging by 3/4 in silico tools (SNPs&GO not captured due to low reliability index). The Val84 is proposed to be at the membrane-spanning segments M2/M3 helix interface of the GJB2 protein (Ambrosi_2010). This variant was found in 8/121696 control chromosomes from ExAC at a frequency of 0.0000657, which does not exceed the estimated maximal expected allele frequency of a pathogenic GJB2 variant (0.025). This variant is widely reported as a pathogenic variant in literature and is found in ARNSHL patients in homozygous as well as in compound heterozygous state with other known pathogenic variants, including evidence of cosegregation with disease (Kelley_1998, Azaiez_2004, Snoeckx_2005, Zoll_2002, Dalamon_2013, Dahl_2013). Multiple functional studies show that although the V84L mutant channels are able to make gap junctions in mammalian and insect cells, stable in detergent solution and able to allow passage of simple ions (such as LY), they do not allow permeability for molecules larger than simple ions (such as propidium iodide) and reduce permeability to the Ca2+-mobilizing messenger inositol 1,4,5-trisphosphate (Bruzzone_2003, Wang_2003, Beltramello_2005, Zhang_2005, Ambrosi_2010). In addition, multiple clinical diagnostic laboratories/reputable databases have classified this variant as pathogenic. Another missense variant at this residue p.V84M has been classified as pathogenic by our lab and others in ClinVar. Taken together, this variant is classified as Pathogenic.

Genetic Services Laboratory, University of Chicago
Classification: Pathogenic for Hearing impairment. Last evaluated: 2013-02-08. Review status: criteria provided, single submitter. Criteria: ACMG Guidelines, 2007. Collection method: clinical testing. Allele origin: germline. Inheritance: Autosomal recessive inheritance. Affected: yes.

Rady Children's Institute for Genomic Medicine, Rady Children's Hospital San Diego
Classification: Pathogenic for GJB2-related disorders. Review status: criteria provided, single submitter. Criteria: ACMG Guidelines, 2015. Collection method: clinical testing. Allele origin: germline. Affected: yes.
Comment: This variant has been previously reported as a compound heterozygous or homozygous variant in individuals with congenital hearing impairment (PMID: 16380907, 26346709, 24013081, 19235794, 11556849, 12172394, 12189487, 12497637, 15365987). Functional studies have shown that this missense change affects biochemical permeability and intercellular transport of large molecules (PMID: 12505163, 12562518, 15592461, 20441744, 16217030). The c.250G>C (p.Val84Leu) variant is present in the heterozygous state in the gnomAD population database at a frequency of 0.004% (9/251338) and is absent in the homozygous state, thus is presumed to be rare. In silico analyses predict a deleterious effect of the c.250G>C (p.Val84Leu) variant on protein function. Based on the available evidence, the c.250G>C (p.Val84Leu) variant is classified as Pathogenic.

Counsyl
Classification: Pathogenic for Autosomal recessive nonsyndromic hearing loss 1A. Last evaluated: 2017-11-13. Review status: no assertion criteria provided. Collection method: clinical testing. Allele origin: unknown. Not counted in ClinVar's aggregate classification.

OMIM
Classification: Pathogenic for DEAFNESS, AUTOSOMAL RECESSIVE 1A. Last evaluated: 2005-01-01. Review status: no assertion criteria provided. Collection method: literature only. Allele origin: germline. Not counted in ClinVar's aggregate classification.

Literature cited by the submitters: PubMed 22925408 (cited by 3 submitters); PubMed 11556849 (cited by 6 submitters); PubMed 12172394 (cited by Labcorp Genetics (formerly Invitae), Labcorp and INGEBI, INGEBI / CONICET); PubMed 16380907 (cited by 5 submitters); PubMed 19235794 (cited by Labcorp Genetics (formerly Invitae), Labcorp); PubMed 24013081 (cited by Labcorp Genetics (formerly Invitae), Labcorp); PubMed 26346709 (cited by Labcorp Genetics (formerly Invitae), Labcorp); PubMed 12505163 (cited by 5 submitters); PubMed 12562518 (cited by 5 submitters); PubMed 15592461 (cited by 6 submitters); PubMed 16217030 (cited by 5 submitters); PubMed 20441744 (cited by 4 submitters); PubMed 9529365 (cited by 5 submitters); PubMed 12325027 (cited by 3billion); PubMed 12792423 (cited by Victorian Clinical Genetics Services, Murdoch Childrens Research Institute); PubMed 28428247 (cited by Victorian Clinical Genetics Services, Murdoch Childrens Research Institute); PubMed 31160754 (cited by Victorian Clinical Genetics Services, Murdoch Childrens Research Institute); PubMed 26188157 (cited by Athena Diagnostics and Counsyl); PubMed 24158611 (cited by 3 submitters); PubMed 23555729 (cited by Athena Diagnostics and Women's Health and Genetics/Laboratory Corporation of America, LabCorp); PubMed 17426645 (cited by 3 submitters); PubMed 17041943 (cited by 3 submitters); PubMed 16849369 (cited by Athena Diagnostics and Counsyl); PubMed 14985372 (cited by 3 submitters); PubMed 12497637 (cited by 4 submitters); PubMed 10049954 (cited by Athena Diagnostics and Counsyl); PubMed 25388846 (cited by Athena Diagnostics); PubMed 12189487 (cited by 3 submitters); PubMed 15365987 (cited by 4 submitters); PubMed 17666888 (cited by Athena Diagnostics and Counsyl); PubMed 20083784 (cited by Athena Diagnostics); PubMed 95239365 (cited by INGEBI, INGEBI / CONICET).